The following is an entry in ClinVar:

ClinVar aggregate classification (germline): Likely benign. Review status: criteria provided, multiple submitters, no conflicts (2 of 4 stars). 3 submissions from 3 submitters: Likely benign (2). 1 of the submissions does not count toward it. Last evaluated 2026-01-24.

Conditions:
ITGB2-related disorder. Also called: ITGB2-related condition.
Leukocyte adhesion deficiency 1 (LAD1). Also called: LAD 1; Lymphocyte function-associated antigen 1 immunodeficiency; LFA 1 immunodeficiency; LEUKOCYTE ADHESION DEFICIENCY, TYPE I. Identifiers: Orphanet 2968, Orphanet 99842, MedGen C0398738, MONDO:0007293, OMIM 116920.

Allele frequency attached by ClinVar (database versions not stated): ExAC 0.00003; gnomAD exomes 0.00003; TOPMed 0.00003; gnomAD 0.00004; ESP Exome Variant Server 0.00008.
gnomAD v4.1: 95 of 1,612,780 alleles (0.0059%); highest among the groups gnomAD compares: Middle Eastern, 0.049%; no homozygotes.

Submissions (3):

Labcorp Genetics (formerly Invitae), Labcorp
Classification: Likely benign for Leukocyte adhesion deficiency 1. Last evaluated: 2026-01-24. Review status: criteria provided, single submitter. Criteria: Invitae Variant Classification Sherloc (09022015). Collection method: clinical testing. Allele origin: germline.

Blueprint Genetics
Classification: Likely benign. Last evaluated: 2023-12-04. Review status: criteria provided, single submitter. Criteria: ACMG Guidelines, 2015. Collection method: clinical testing. Allele origin: germline.

PreventionGenetics, part of Exact Sciences
Classification: Likely benign for ITGB2-related condition. Last evaluated: 2022-11-30. Review status: no assertion criteria provided. Collection method: clinical testing. Allele origin: germline. Not counted in ClinVar's aggregate classification.
Comment: This variant is classified as likely benign based on ACMG/AMP sequence variant interpretation guidelines (Richards et al. 2015 PMID: 25741868, with internal and published modifications).

NM_000211.5(ITGB2):c.1797C>T (p.Asn599=)

Gene: ITGB2 (integrin subunit beta 2; minus strand). Cytogenetic location: 21q22.3.
Variant type: single nucleotide variant.
Coding change: c.1797C>T on transcript NM_000211.5 (MANE Select); coding-DNA position 1797, C replaced by T.
Protein change: p.Asn599=; no amino-acid change (asparagine 599 retained).
Molecular consequence: synonymous variant.
Genome position (GRCh38, 1-based): chr21:44,889,356, G>A on the plus strand (C>T on the coding strand, the complement: ITGB2 is on the minus strand). VCF-style: chr21-44889356-G-A. GRCh37 (hg19) VCF-style: chr21-46309271-G-A.
Other names: c.1797C>T, p.Asn599= (NM_001127491.3); c.1590C>T, p.Asn530= (NM_001303238.2); c.1797C>T (NM_000211.4).
Identifiers: ClinVar variation 1090088 (VCV001090088.12), dbSNP rs367757540, ClinGen allele CA10062703.